The following is an entry in ClinVar:

ClinVar aggregate classification (germline): Likely pathogenic. Review status: criteria provided, multiple submitters, no conflicts (2 of 4 stars). 2 submissions from 2 submitters: Likely pathogenic (2). Last evaluated 2015-09-08.

Conditions:
Cerebellar ataxia. Identifiers: Orphanet 102002, MedGen C0007758, MONDO:0000437.

Submissions (2):

GeneDx
Classification: Likely pathogenic. Last evaluated: 2015-09-08. Review status: criteria provided, single submitter. Criteria: GeneDx Variant Classification (06012015). Collection method: clinical testing. Allele origin: germline. Affected: yes.
Comment: The K61E variant in the SPTBN2 gene has not been published as a pathogenic variant, nor has it been reported as a benign polymorphism to our knowledge. The K61E variant was not observed in approximately 6,500 individuals of European and African American ancestry in the NHLBI Exome Sequencing Project, indicating it is not a common benign variant in these populations. The K61E variant is a non-conservative amino acid substitution, which is likely to impact secondary protein structure as these residues differ in polarity, charge, size and/or other properties. This substitution occurs at a position that is conserved across species. In silico analysis predicts this variant is probably damaging to the protein structure/function. The K61E variant is a strong candidate for a disease-causing variant, however the possibility it may be a rare benign variant cannot be excluded.

Genetic Services Laboratory, University of Chicago
Classification: Likely pathogenic for Ataxia. Last evaluated: 2015-02-12. Review status: criteria provided, single submitter. Criteria: ACMG Guidelines, 2015. Collection method: clinical testing. Allele origin: germline. Affected: yes.

NM_006946.4(SPTBN2):c.181A>G (p.Lys61Glu)

Gene: SPTBN2 (spectrin beta, non-erythrocytic 2; minus strand). Cytogenetic location: 11q13.2.
Variant type: single nucleotide variant.
Coding change: c.181A>G on transcript NM_006946.4 (MANE Select); coding-DNA position 181, A replaced by G.
Protein change: p.Lys61Glu; replaces lysine 61 with glutamic acid.
Molecular consequence: missense variant.
Genome position (GRCh38, 1-based): chr11:66,715,958, T>C on the plus strand (A>G on the coding strand, the complement: SPTBN2 is on the minus strand). VCF-style: chr11-66715958-T-C. GRCh37 (hg19) VCF-style: chr11-66483429-T-C.
Other names: short protein forms K61E.
Identifiers: ClinVar variation 212300 (VCV000212300.7), dbSNP rs797046006, ClinGen allele CA205211.
Genomic context (GRCh38, chr11:66,715,958, plus strand): 5'-GGTCCCCCACCCGGCACGTGACCCGGGCCAGGTGCGAGTTTACCCACTTGGTGAAGGTTT[T>C]CTTCTGCACAGCTTCTCGTTCATCTGTGGTGGCAACATGGGTTTATTTCTGTCCCTCGAG-3'
Protein context (NP_008877.2, residues 51-71): LADEREAVQK[Lys61Glu]TFTKWVNSHL